The following is an entry in ClinVar:

NM_000283.4(PDE6B):c.192G>C (p.Gln64His)

Gene: PDE6B (phosphodiesterase 6B; plus strand). Cytogenetic location: 4p16.3.
Variant type: single nucleotide variant.
Coding change: c.192G>C on transcript NM_000283.4 (MANE Select); coding-DNA position 192, G replaced by C.
Protein change: p.Gln64His; replaces glutamine 64 with histidine.
Molecular consequence: missense variant.
Genome position (GRCh38, 1-based): chr4:625,818, G>C. VCF-style: chr4-625818-G-C. GRCh37 (hg19) VCF-style: chr4-619607-G-C.
Other names: c.192G>C, p.Gln64His (NM_001145291.2); short protein forms Q64H.
Identifiers: ClinVar variation 1467309 (VCV001467309.8), dbSNP rs1340296893, ClinGen allele CA355906355.

ClinVar aggregate classification (germline): Uncertain significance (1 of 4 stars; one submission).

Allele frequency attached by ClinVar (database versions not stated): gnomAD exomes 0.00001; TOPMed 0.00001.
gnomAD v4.1: 3 of 1,613,178 alleles (0.00019%); highest among the groups gnomAD compares: African/African-American, 0.0027%; no homozygotes.

Submission:

Labcorp Genetics (formerly Invitae), Labcorp
Classification: Uncertain significance. Last evaluated: 2022-07-06. Review status: criteria provided, single submitter. Criteria: Invitae Variant Classification Sherloc (09022015). Collection method: clinical testing. Allele origin: germline.
Comment: This sequence change replaces glutamine, which is neutral and polar, with histidine, which is basic and polar, at codon 64 of the PDE6B protein (p.Gln64His). In summary, the available evidence is currently insufficient to determine the role of this variant in disease. Therefore, it has been classified as a Variant of Uncertain Significance. Algorithms developed to predict the effect of missense changes on protein structure and function are either unavailable or do not agree on the potential impact of this missense change (SIFT: "Deleterious"; PolyPhen-2: "Possibly Damaging"; Align-GVGD: "Class C0"). ClinVar contains an entry for this variant (Variation ID: 1467309). This variant has not been reported in the literature in individuals affected with PDE6B-related conditions. This variant is present in population databases (no rsID available, gnomAD 0.01%).